The following is an entry in ClinVar:

ClinVar aggregate classification (germline): Likely benign (1 of 4 stars; one submission).

Conditions:
Xeroderma pigmentosum, group F (XPF). Also called: XERODERMA PIGMENTOSUM, TYPE F; Xeroderma pigmentosum, type 6; XERODERMA PIGMENTOSUM, COMPLEMENTATION GROUP F; XERODERMA PIGMENTOSUM VI; XP, GROUP F; ERCC4-Related Xeroderma Pigmentosum. Identifiers: MedGen C0268140, MONDO:0010215, OMIM 278760.

Allele frequency attached by ClinVar (database versions not stated): gnomAD exomes 0.00052; gnomAD 0.00284 and 0.00312; 1000 Genomes Project 0.00339; TOPMed 0.00369; 1000 Genomes Project 30x 0.00375.
gnomAD v4.1: 460 of 195,616 alleles (0.24%); highest among the groups gnomAD compares: African/African-American, 0.97%; 1 homozygote.

Submission:

Illumina Laboratory Services, Illumina
Classification: Likely benign for Xeroderma pigmentosum, group F. Last evaluated: 2018-01-12. Review status: criteria provided, single submitter. Criteria: ICSL Variant Classification Criteria 13 December 2019. Collection method: clinical testing. Allele origin: germline.
Comment: This variant was observed in the ICSL laboratory as part of a predisposition screen in an ostensibly healthy population. It had not been previously curated by ICSL or reported in the Human Gene Mutation Database (HGMD: prior to June 1st, 2018), and was therefore a candidate for classification through an automated scoring system. Utilizing variant allele frequency, disease prevalence and penetrance estimates, and inheritance mode, an automated score was calculated to assess if this variant is too frequent to cause the disease. Based on the score and internal cut-off values, a variant classified as likely benign is not then subjected to further curation. The score for this variant resulted in a classification of likely benign for this disease.

NM_005236.3(ERCC4):c.*3727G>T

Gene: ERCC4 (ERCC excision repair 4, endonuclease catalytic subunit; plus strand). Cytogenetic location: 16p13.12.
Variant type: single nucleotide variant.
Coding change: c.*3727G>T on transcript NM_005236.3 (MANE Select); 3727 bases downstream of the stop codon, G replaced by T.
Molecular consequence: 3 prime UTR variant.
Genome position (GRCh38, 1-based): chr16:13,952,074, G>T. VCF-style: chr16-13952074-G-T. GRCh37 (hg19) VCF-style: chr16-14045931-G-T.
Identifiers: ClinVar variation 885188 (VCV000885188.4), dbSNP rs560338292, ClinGen allele CA278488088.